The following is an entry in ClinVar:

NM_014324.6(AMACR):c.1032T>G (p.Pro344=)

Genes: AMACR (alpha-methylacyl-CoA racemase; minus strand), C1QTNF3-AMACR (C1QTNF3-AMACR readthrough (NMD candidate); minus strand). Cytogenetic location: 5p13.2.
Variant type: single nucleotide variant.
Coding change: c.1032T>G on transcript NM_014324.6 (MANE Select); coding-DNA position 1032, T replaced by G.
Protein change: p.Pro344=; no amino-acid change (proline 344 retained).
Molecular consequence: synonymous variant. On other transcripts: non-coding transcript variant (1), 3 prime UTR variant (1).
Genome position (GRCh38, 1-based): chr5:33,989,210, A>C on the plus strand (T>G on the coding strand, the complement: AMACR is on the minus strand). VCF-style: chr5-33989210-A-C. GRCh37 (hg19) VCF-style: chr5-33989315-A-C.
Other names: c.1032T>G, p.Pro344= (NM_001167595.2); c.*274T>G (NM_203382.3); c.1032T>G (NM_014324.5).
Identifiers: ClinVar variation 1609004 (VCV001609004.9), dbSNP rs1189329151, ClinGen allele CA444085669.

ClinVar aggregate classification (germline): Likely benign. Review status: criteria provided, multiple submitters, no conflicts (2 of 4 stars). 2 submissions from 2 submitters: Likely benign (2). Last evaluated 2026-08-14.

Conditions:
Alpha-methylacyl-CoA racemase deficiency (AMACRD). Also called: AMACR deficiency. Identifiers: Orphanet 79095, MedGen C3280428, MONDO:0013681, OMIM 614307. Disease mechanism: loss of function.
AMACR-related disorder. Also called: AMACR-related condition; AMACR-Related Disorders.

Allele frequency attached by ClinVar (database versions not stated): gnomAD 0.00001; gnomAD exomes 0.00001.
gnomAD v4.1: 12 of 1,614,066 alleles (0.00074%); highest among the groups gnomAD compares: South Asian, 0.0099%; no homozygotes.

Submissions (2):

PreventionGenetics, part of Exact Sciences
Classification: Likely benign for AMACR-related condition. Last evaluated: 2026-08-14. Review status: criteria provided, single submitter. Criteria: ACMG Guidelines, 2015. Collection method: clinical testing. Allele origin: germline.
Comment: This variant is classified as likely benign based on ACMG/AMP sequence variant interpretation guidelines (Richards et al. 2015 PMID: 25741868, with internal and published modifications).

Labcorp Genetics (formerly Invitae), Labcorp
Classification: Likely benign for Alpha-methylacyl-CoA racemase deficiency. Last evaluated: 2022-10-13. Review status: criteria provided, single submitter. Criteria: Invitae Variant Classification Sherloc (09022015). Collection method: clinical testing. Allele origin: germline.